The following is an entry in ClinVar:

ClinVar aggregate classification (germline): Uncertain significance. Review status: criteria provided, multiple submitters, no conflicts (2 of 4 stars). 2 submissions from 2 submitters: Uncertain significance (2). Last evaluated 2026-08-17.

Conditions:
Hereditary cancer-predisposing syndrome. Also called: Neoplastic Syndromes, Hereditary; Hereditary Cancer Syndrome; Hereditary neoplastic syndrome; Tumor predisposition. Identifiers: Orphanet 140162, MedGen C0027672, MeSH D009386, MONDO:0015356.
Gorlin syndrome. Also called: Nevoid Basal Cell Carcinoma Syndrome; Basal cell nevus syndrome. Identifiers: Orphanet 377, MedGen C0004779, MONDO:0007187.

Allele frequency attached by ClinVar (database versions not stated): gnomAD exomes below 0.00001.
gnomAD v4.1: 1 of 1,613,646 alleles (0.000062%); highest among the groups gnomAD compares: Non-Finnish European, 0.000085%; no homozygotes.

Submissions (2):

Ambry Genetics
Classification: Uncertain significance for Hereditary cancer-predisposing syndrome. Last evaluated: 2026-08-17. Review status: criteria provided, single submitter. Criteria: Ambry Variant Classification Scheme 2023. Collection method: clinical testing. Allele origin: germline.
Comment: The p.S547I variant (also known as c.1640G>T), located in coding exon 12 of the PTCH1 gene, results from a G to T substitution at nucleotide position 1640. The serine at codon 547 is replaced by isoleucine, an amino acid with dissimilar properties. This amino acid position is highly conserved in available vertebrate species. In addition, this alteration is predicted to be deleterious by in silico analysis. Based on the available evidence, the clinical significance of this variant remains unclear.

Labcorp Genetics (formerly Invitae), Labcorp
Classification: Uncertain significance for Gorlin syndrome. Last evaluated: 2022-03-13. Review status: criteria provided, single submitter. Criteria: Invitae Variant Classification Sherloc (09022015). Collection method: clinical testing. Allele origin: germline.
Comment: ClinVar contains an entry for this variant (Variation ID: 582863). This variant has not been reported in the literature in individuals affected with PTCH1-related conditions. This variant is not present in population databases (gnomAD no frequency). This sequence change replaces serine, which is neutral and polar, with isoleucine, which is neutral and non-polar, at codon 547 of the PTCH1 protein (p.Ser547Ile). In summary, the available evidence is currently insufficient to determine the role of this variant in disease. Therefore, it has been classified as a Variant of Uncertain Significance. Advanced modeling of protein sequence and biophysical properties (such as structural, functional, and spatial information, amino acid conservation, physicochemical variation, residue mobility, and thermodynamic stability) performed at Invitae indicates that this missense variant is expected to disrupt PTCH1 protein function.

NM_000264.5(PTCH1):c.1640G>T (p.Ser547Ile)

Gene: PTCH1 (patched 1; minus strand). Cytogenetic location: 9q22.32.
Variant type: single nucleotide variant.
Coding change: c.1640G>T on transcript NM_000264.5 (MANE Select); coding-DNA position 1640, G replaced by T.
Protein change: p.Ser547Ile; replaces serine 547 with isoleucine.
Molecular consequence: missense variant. On other transcripts: non-coding transcript variant (1).
Genome position (GRCh38, 1-based): chr9:95,476,122, C>A on the plus strand (G>T on the coding strand, the complement: PTCH1 is on the minus strand). VCF-style: chr9-95476122-C-A. GRCh37 (hg19) VCF-style: chr9-98238404-C-A.
Other names: c.1442G>T, p.Ser481Ile (NM_001083602.3); c.1637G>T, p.Ser546Ile (NM_001083603.3); c.1187G>T, p.Ser396Ile (NM_001083604.3, NM_001083605.3, NM_001083606.3 and 1 more transcripts); c.1484G>T, p.Ser495Ile (NM_001354918.2); short protein forms S481I, S547I, S396I, S495I, S546I.
Identifiers: ClinVar variation 582863 (VCV000582863.13), dbSNP rs1564047095, ClinGen allele CA374118049.